The following is an entry in ClinVar:

ClinVar aggregate classification (germline): Pathogenic (1 of 4 stars; one submission).

Conditions:
LAMA2-related muscular dystrophy (LAMA2-RD). Also called: Laminin alpha 2-related dystrophy. Identifiers: MedGen C5679788, MONDO:0100228.

Submission:

Labcorp Genetics (formerly Invitae), Labcorp
Classification: Pathogenic for LAMA2-related muscular dystrophy. Last evaluated: 2021-07-31. Review status: criteria provided, single submitter. Criteria: Invitae Variant Classification Sherloc (09022015). Collection method: clinical testing. Allele origin: germline.
Comment: For these reasons, this variant has been classified as Pathogenic. Algorithms developed to predict the effect of sequence changes on RNA splicing suggest that this variant may create or strengthen a splice site. This variant has not been reported in the literature in individuals affected with LAMA2-related conditions. This variant is not present in population databases (ExAC no frequency). This sequence change creates a premature translational stop signal (p.Gln167*) in the LAMA2 gene. It is expected to result in an absent or disrupted protein product. Loss-of-function variants in LAMA2 are known to be pathogenic (PMID: 18700894).

Literature cited by the submitters: PubMed 18700894.

NM_000426.4(LAMA2):c.499C>T (p.Gln167Ter)

Gene: LAMA2 (laminin subunit alpha 2; plus strand). Cytogenetic location: 6q22.33.
Variant type: single nucleotide variant.
Coding change: c.499C>T on transcript NM_000426.4 (MANE Select); coding-DNA position 499, C replaced by T.
Protein change: p.Gln167Ter; replaces glutamine 167 with a stop codon.
Molecular consequence: nonsense.
Genome position (GRCh38, 1-based): chr6:129,098,275, C>T. VCF-style: chr6-129098275-C-T. GRCh37 (hg19) VCF-style: chr6-129419420-C-T.
Other names: c.499C>T, p.Gln167Ter (NM_001079823.2); short protein forms Q167*.
Identifiers: ClinVar variation 1454877 (VCV001454877.7), dbSNP rs2114873389, ClinGen allele CA365829255.